The following is an entry in ClinVar:

ClinVar aggregate classification (germline): Uncertain significance. Review status: criteria provided, multiple submitters, no conflicts (2 of 4 stars). 2 submissions from 2 submitters: Uncertain significance (2). Last evaluated 2025-08-01.

Conditions:
Inborn genetic diseases. Identifiers: MedGen C0950123, MeSH D030342.
Immunodeficiency 23 (IMD23). Also called: IMMUNODEFICIENCY WITH HYPER IgE AND COGNITIVE IMPAIRMENT; IMMUNODEFICIENCY-VASCULITIS-MYOCLONUS SYNDROME. Identifiers: Orphanet 443811, MedGen C4014371, MONDO:0014353, OMIM 615816.

Allele frequency attached by ClinVar (database versions not stated): ExAC 0.00002; gnomAD exomes 0.00002; gnomAD 0.00004; TOPMed 0.00004; ESP Exome Variant Server 0.00008.
gnomAD v4.1: 27 of 1,573,662 alleles (0.0017%); highest among the groups gnomAD compares: African/African-American, 0.0067%; no homozygotes.

Submissions (2):

Ambry Genetics
Classification: Uncertain significance for Inborn genetic diseases. Last evaluated: 2025-08-01. Review status: criteria provided, single submitter. Criteria: Ambry Variant Classification Scheme 2023. Collection method: clinical testing. Allele origin: germline.

Labcorp Genetics (formerly Invitae), Labcorp
Classification: Uncertain significance for Immunodeficiency 23. Last evaluated: 2021-10-09. Review status: criteria provided, single submitter. Criteria: Invitae Variant Classification Sherloc (09022015). Collection method: clinical testing. Allele origin: germline.
Comment: This sequence change replaces tyrosine with cysteine at codon 375 of the PGM3 protein (p.Tyr375Cys). The tyrosine residue is moderately conserved and there is a large physicochemical difference between tyrosine and cysteine. This variant is present in population databases (rs139056409, ExAC 0.01%). This variant has not been reported in the literature in individuals affected with PGM3-related conditions. Algorithms developed to predict the effect of missense changes on protein structure and function (SIFT, PolyPhen-2, Align-GVGD) all suggest that this variant is likely to be tolerated. In summary, the available evidence is currently insufficient to determine the role of this variant in disease. Therefore, it has been classified as a Variant of Uncertain Significance.

NM_015599.3(PGM3):c.1040A>G (p.Tyr347Cys)

Gene: PGM3 (phosphoglucomutase 3; minus strand). Cytogenetic location: 6q14.1.
Variant type: single nucleotide variant.
Coding change: c.1040A>G on transcript NM_015599.3 (MANE Select); coding-DNA position 1040, A replaced by G.
Protein change: p.Tyr347Cys; replaces tyrosine 347 with cysteine.
Molecular consequence: missense variant. On other transcripts: non-coding transcript variant (1).
Genome position (GRCh38, 1-based): chr6:83,176,050, T>C on the plus strand (A>G on the coding strand, the complement: PGM3 is on the minus strand). VCF-style: chr6-83176050-T-C. GRCh37 (hg19) VCF-style: chr6-83885769-T-C.
Other names: c.1124A>G, p.Tyr375Cys (NM_001199917.2, NM_001367287.1); c.797A>G, p.Tyr266Cys (NM_001199918.2); c.1040A>G, p.Tyr347Cys (NM_001199919.2, NM_001367286.1); c.1124A>G (NM_001199917.1); short protein forms Y266C, Y347C, Y375C.
Identifiers: ClinVar variation 1053481 (VCV001053481.5), dbSNP rs139056409, ClinGen allele CA3906615.
Genomic context (GRCh38, chr6:83,176,050, plus strand): 5'-ACTCCAATGTCAAACTCTTGAGCCTTGTGGTGCAAATGTTTTACACCAGTCTTAGTGCAA[T>C]AGACAGGTACCTATAACACATGCATTTAAAGAAATACAGCAATTACTCAGATGTCAAATG-3'
Protein context (NP_056414.1, residues 337-357): YLEEVMKVPV[Tyr347Cys]CTKTGVKHLH